The following is an entry in ClinVar:

ClinVar aggregate classification (germline): Uncertain significance (1 of 4 stars; one submission).

Conditions:
Inborn genetic diseases. Identifiers: MedGen C0950123, MeSH D030342.

Allele frequency attached by ClinVar (database versions not stated): gnomAD exomes below 0.00001; gnomAD 0.00001.
gnomAD v4.1: 2 of 1,613,778 alleles (0.00012%); highest among the groups gnomAD compares: Non-Finnish European, 0.00017%; no homozygotes.

Submission:

Ambry Genetics
Classification: Uncertain significance for Inborn genetic diseases. Last evaluated: 2023-10-02. Review status: criteria provided, single submitter. Criteria: Ambry Variant Classification Scheme 2023. Collection method: clinical testing. Allele origin: germline.
Comment: The p.L743R variant (also known as c.2228T>G), located in coding exon 14 of the EPAS1 gene, results from a T to G substitution at nucleotide position 2228. The leucine at codon 743 is replaced by arginine, an amino acid with dissimilar properties. This amino acid position is conserved. In addition, the in silico prediction for this alteration is inconclusive. Since supporting evidence is limited at this time, the clinical significance of this alteration remains unclear.

NM_001430.5(EPAS1):c.2228T>G (p.Leu743Arg)

Gene: EPAS1 (endothelial PAS domain protein 1; plus strand). Cytogenetic location: 2p21.
Variant type: single nucleotide variant.
Coding change: c.2228T>G on transcript NM_001430.5 (MANE Select); coding-DNA position 2228, T replaced by G.
Protein change: p.Leu743Arg; replaces leucine 743 with arginine.
Molecular consequence: missense variant.
Genome position (GRCh38, 1-based): chr2:46,382,030, T>G. VCF-style: chr2-46382030-T-G. GRCh37 (hg19) VCF-style: chr2-46609169-T-G.
Other names: short protein forms L743R.
Identifiers: ClinVar variation 3221614 (VCV003221614.1), dbSNP rs1266511659, ClinGen allele CA346705816.